The following is an entry in ClinVar:

ClinVar aggregate classification (germline): Likely benign (0 of 4 stars; one submission).

Conditions:
RREB1-related disorder. Also called: RREB1-related condition.

Allele frequency attached by ClinVar (database versions not stated): ExAC 0.00003; ESP Exome Variant Server 0.00008.
gnomAD v4.1: 17 of 1,603,716 alleles (0.0011%); highest among the groups gnomAD compares: African/African-American, 0.0027%; no homozygotes.

Submission:

PreventionGenetics, part of Exact Sciences
Classification: Likely benign for RREB1-related condition. Last evaluated: 2019-05-22. Review status: no assertion criteria provided. Collection method: clinical testing. Allele origin: germline.
Comment: This variant is classified as likely benign based on ACMG/AMP sequence variant interpretation guidelines (Richards et al. 2015 PMID: 25741868, with internal and published modifications).

NM_001003699.4(RREB1):c.3973+9G>A

Gene: RREB1 (ras responsive element binding protein 1; plus strand). Cytogenetic location: 6p24.3.
Variant type: single nucleotide variant.
Coding change: c.3973+9G>A on transcript NM_001003699.4 (MANE Select); 9 bases into the intron after coding-DNA position 3973, G replaced by A.
Molecular consequence: intron variant.
Genome position (GRCh38, 1-based): chr6:7,240,611, G>A. VCF-style: chr6-7240611-G-A. GRCh37 (hg19) VCF-style: chr6-7240844-G-A.
Other names: c.3809-5813G>A (NM_001168344.2, NM_001003698.4); c.3973+9G>A (NM_001003700.2).
Identifiers: ClinVar variation 3038593 (VCV003038593.2), dbSNP rs369636400, ClinGen allele CA3626339.